The following is an entry in ClinVar:

NM_000051.4(ATM):c.3023C>G (p.Ser1008Cys)

Gene: ATM (ATM serine/threonine kinase; plus strand). Cytogenetic location: 11q22.3.
Variant type: single nucleotide variant.
Coding change: c.3023C>G on transcript NM_000051.4 (MANE Select); coding-DNA position 3023, C replaced by G.
Protein change: p.Ser1008Cys; replaces serine 1008 with cysteine.
Molecular consequence: missense variant.
Genome position (GRCh38, 1-based): chr11:108,271,352, C>G. VCF-style: chr11-108271352-C-G. GRCh37 (hg19) VCF-style: chr11-108142079-C-G.
Other names: c.3023C>G, p.Ser1008Cys (NM_001351834.2); short protein forms S1008C.
Identifiers: ClinVar variation 1692603 (VCV001692603.8), dbSNP rs2135553767, ClinGen allele CA382547495.

ClinVar aggregate classification (germline): Uncertain significance. Review status: criteria provided, multiple submitters, no conflicts (2 of 4 stars). 3 submissions from 3 submitters: Uncertain significance (3). Last evaluated 2023-08-01.

Conditions:
Hereditary cancer-predisposing syndrome. Also called: Neoplastic Syndromes, Hereditary; Hereditary Cancer Syndrome; Tumor predisposition; Hereditary neoplastic syndrome. Identifiers: Orphanet 140162, MedGen C0027672, MeSH D009386, MONDO:0015356.
Ataxia-telangiectasia syndrome (AT). Also called: Ataxia telangiectasia (A-T); Ataxia-telangiectasia, complementation group D; ATAXIA-TELANGIECTASIA, COMPLEMENTATION GROUP A; ATAXIA-TELANGIECTASIA, FRESNO VARIANT; Cerebello-oculocutaneous telangiectasia; Immunodeficiency with ataxia telangiectasia. Identifiers: Orphanet 100, MedGen C0004135, MONDO:0008840, OMIM 208900.

Submissions (3):

Ambry Genetics
Classification: Uncertain significance for Hereditary cancer-predisposing syndrome. Last evaluated: 2023-08-01. Review status: criteria provided, single submitter. Criteria: Ambry Variant Classification Scheme 2023. Collection method: clinical testing. Allele origin: germline.
Comment: The p.S1008C variant (also known as c.3023C>G), located in coding exon 19 of the ATM gene, results from a C to G substitution at nucleotide position 3023. The serine at codon 1008 is replaced by cysteine, an amino acid with dissimilar properties. This amino acid position is conserved. In addition, this alteration is predicted to be tolerated by in silico analysis. Since supporting evidence is limited at this time, the clinical significance of this alteration remains unclear.

Labcorp Genetics (formerly Invitae), Labcorp
Classification: Uncertain significance for Ataxia-telangiectasia syndrome. Last evaluated: 2022-04-10. Review status: criteria provided, single submitter. Criteria: Invitae Variant Classification Sherloc (09022015). Collection method: clinical testing. Allele origin: germline.
Comment: This variant is not present in population databases (gnomAD no frequency). In summary, the available evidence is currently insufficient to determine the role of this variant in disease. Therefore, it has been classified as a Variant of Uncertain Significance. Algorithms developed to predict the effect of sequence changes on RNA splicing suggest that this variant may create or strengthen a splice site. Advanced modeling of protein sequence and biophysical properties (such as structural, functional, and spatial information, amino acid conservation, physicochemical variation, residue mobility, and thermodynamic stability) performed at Invitae indicates that this missense variant is not expected to disrupt ATM protein function. This variant has not been reported in the literature in individuals affected with ATM-related conditions. This sequence change replaces serine, which is neutral and polar, with cysteine, which is neutral and slightly polar, at codon 1008 of the ATM protein (p.Ser1008Cys).

Sema4
Classification: Uncertain significance for Hereditary cancer-predisposing syndrome. Last evaluated: 2022-02-07. Review status: criteria provided, single submitter. Criteria: Sema4 Curation Guidelines. Collection method: curation. Allele origin: germline.
Comment: The ATM c.3023C>G (p.S1008C) variant has not been reported in the literature to our knowledge. It was not observed in the large and broad cohorts of the Genome Aggregation Database (PMID: 32461654). The variant has not been reported in ClinVar. Functional studies have not been performed, and in silico predictions of the variant's effect on protein function are inconclusive. The evidence is insufficient to meet ACMG/AMP criteria for classifying the variant as benign or pathogenic. Thus, the clinical significance of this variant is currently uncertain.